The following is an entry in ClinVar:

ClinVar aggregate classification (germline): Likely pathogenic (1 of 4 stars; one submission).

Conditions:
Usher syndrome type 1 (USH1). Also called: RETINITIS PIGMENTOSA AND CONGENITAL DEAFNESS. Identifiers: Orphanet 231169, Orphanet 886, MedGen C1568247, MONDO:0010168, OMIM 276900.

Submission:

Natera, Inc.
Classification: Likely pathogenic for Usher syndrome type 1. Last evaluated: 2026-01-15. Review status: criteria provided, single submitter. Criteria: Natera Variant Classification Schema (03/2026). Collection method: clinical testing. Allele origin: germline.
Comment: The c.1732_1746delinsCGTTCTT variant in CDH23 is a frameshift variant predicted to shift the reading frame beginning at codon 578 and leads to a stop codon 8 codons downstream. This variant is expected to result in nonsense mediated decay, truncation, or a dysfunctional protein product. This variant is rare in the general population with a frequency below the threshold expected for the associated phenotype(s). Given the available evidence, this variant is classified as Likely Pathogenic.

NM_022124.6(CDH23):c.1732_1746delinsCGTTCTT (p.Thr578fs)

Gene: CDH23 (cadherin related 23; plus strand). Cytogenetic location: 10q22.1.
Variant type: Indel.
Coding change: c.1732_1746delinsCGTTCTT on transcript NM_022124.6 (MANE Select); coding-DNA positions 1732 to 1746, ACACAGCTGGTGCGG replaced by CGTTCTT.
Protein change: p.Thr578fs; shifts the reading frame from threonine 578.
Molecular consequence: frameshift variant.
Genome position (GRCh38, 1-based): chr10:71,677,673-71,677,687, ACACAGCTGGTGCGG replaced by CGTTCTT. VCF-style: chr10-71677673-ACACAGCTGGTGCGG-CGTTCTT. GRCh37 (hg19) VCF-style: chr10-73437430-ACACAGCTGGTGCGG-CGTTCTT.
Other names: c.1732_1746delinsCGTTCTT, p.Thr578fs (NM_001171930.2, NM_001171931.2); short protein forms T578fs.
Identifiers: ClinVar variation 4816071 (VCV004816071.1).